The following is an entry in ClinVar:

NM_006231.4(POLE):c.5683C>G (p.His1895Asp)

Gene: POLE (DNA polymerase epsilon, catalytic subunit; minus strand). Cytogenetic location: 12q24.33.
Variant type: single nucleotide variant.
Coding change: c.5683C>G on transcript NM_006231.4 (MANE Select); coding-DNA position 5683, C replaced by G.
Protein change: p.His1895Asp; replaces histidine 1895 with aspartic acid.
Molecular consequence: missense variant.
Genome position (GRCh38, 1-based): chr12:132,636,020, G>C on the plus strand (C>G on the coding strand, the complement: POLE is on the minus strand). VCF-style: chr12-132636020-G-C. GRCh37 (hg19) VCF-style: chr12-133212606-G-C.
Other names: short protein forms H1895D.
Identifiers: ClinVar variation 2864054 (VCV002864054.3), dbSNP rs2138487348, ClinGen allele CA387373260.

ClinVar aggregate classification (germline): Uncertain significance (1 of 4 stars; one submission).

Submission:

Labcorp Genetics (formerly Invitae), Labcorp
Classification: Uncertain significance. Last evaluated: 2023-05-13. Review status: criteria provided, single submitter. Criteria: Invitae Variant Classification Sherloc (09022015). Collection method: clinical testing. Allele origin: germline.
Comment: In summary, the available evidence is currently insufficient to determine the role of this variant in disease. Therefore, it has been classified as a Variant of Uncertain Significance. Advanced modeling of protein sequence and biophysical properties (such as structural, functional, and spatial information, amino acid conservation, physicochemical variation, residue mobility, and thermodynamic stability) performed at Invitae indicates that this missense variant is not expected to disrupt POLE protein function. This variant has not been reported in the literature in individuals affected with POLE-related conditions. This variant is not present in population databases (gnomAD no frequency). This sequence change replaces histidine, which is basic and polar, with aspartic acid, which is acidic and polar, at codon 1895 of the POLE protein (p.His1895Asp).